The following is an entry in ClinVar:

ClinVar aggregate classification (germline): Uncertain significance (1 of 4 stars; one submission).

Conditions:
Epidermolysis bullosa simplex, Ogna type (EBS5A). Also called: Pidermolysis bullosa simplex 5A, Ogna type; EPIDERMOLYSIS BULLOSA SIMPLEX 5A, OGNA TYPE. Identifiers: Orphanet 79401, MedGen C0432317, MONDO:0007555, OMIM 131950.
Epidermolysis bullosa simplex with nail dystrophy (EBS5D). Identifiers: MedGen C4225309, MONDO:0014661, OMIM 616487.
Epidermolysis bullosa simplex 5C, with pyloric atresia (EBS5C). Also called: PLEC-Related Epidermolysis Bullosa with Pyloric Atresia; Epidermolysis bullosa simplex with pyloric atresia; PLEC1-Related Epidermolysis Bullosa with Pyloric Atresia. Identifiers: Orphanet 158684, MedGen C2677349, MONDO:0012807, OMIM 612138.
Epidermolysis bullosa simplex 5B, with muscular dystrophy (EBS5B). Also called: EPIDERMOLYSIS BULLOSA SIMPLEX AND LIMB-GIRDLE MUSCULAR DYSTROPHY; Epidermolysis bullosa simplex with muscular dystrophy. Identifiers: Orphanet 257, MedGen C2931072, MONDO:0009181, OMIM 226670.
Autosomal recessive limb-girdle muscular dystrophy type 2Q (LGMDR17). Also called: MUSCULAR DYSTROPHY, LIMB-GIRDLE, AUTOSOMAL RECESSIVE 17. Identifiers: Orphanet 254361, MedGen C3150989, MONDO:0013390, OMIM 613723.

Submission:

Labcorp Genetics (formerly Invitae), Labcorp
Classification: Uncertain significance for Autosomal recessive limb-girdle muscular dystrophy type 2Q; Epidermolysis bullosa simplex, Ogna type; Epidermolysis bullosa simplex with nail dystrophy; Epidermolysis bullosa simplex 5C, with pyloric atresia; Epidermolysis bullosa simplex 5B, with muscular dystrophy. Last evaluated: 2022-07-20. Review status: criteria provided, single submitter. Criteria: Invitae Variant Classification Sherloc (09022015). Collection method: clinical testing. Allele origin: germline.
Comment: In summary, the available evidence is currently insufficient to determine the role of this variant in disease. Therefore, it has been classified as a Variant of Uncertain Significance. Algorithms developed to predict the effect of missense changes on protein structure and function are either unavailable or do not agree on the potential impact of this missense change (SIFT: "Deleterious"; PolyPhen-2: "Not Available"; Align-GVGD: "Class C15"). This variant has not been reported in the literature in individuals affected with PLEC-related conditions. This variant is not present in population databases (gnomAD no frequency). This sequence change replaces glycine, which is neutral and non-polar, with aspartic acid, which is acidic and polar, at codon 873 of the PLEC protein (p.Gly873Asp).

NM_201384.3(PLEC):c.2537G>A (p.Gly846Asp)

Gene: PLEC (plectin; minus strand). Cytogenetic location: 8q24.3.
Variant type: single nucleotide variant.
Coding change: c.2537G>A on transcript NM_201384.3 (MANE Select); coding-DNA position 2537, G replaced by A.
Protein change: p.Gly846Asp; replaces glycine 846 with aspartic acid.
Molecular consequence: missense variant.
Genome position (GRCh38, 1-based): chr8:143,930,219, C>T on the plus strand (G>A on the coding strand, the complement: PLEC is on the minus strand). VCF-style: chr8-143930219-C-T. GRCh37 (hg19) VCF-style: chr8-145004387-C-T.
Other names: c.2618G>A, p.Gly873Asp (NM_000445.5, NM_001410941.1); c.2495G>A, p.Gly832Asp (NM_201378.4); c.2471G>A, p.Gly824Asp (NM_201379.3); c.2948G>A, p.Gly983Asp (NM_201380.4); c.2441G>A, p.Gly814Asp (NM_201381.3); c.2537G>A, p.Gly846Asp (NM_201382.4); c.2549G>A, p.Gly850Asp (NM_201383.3); short protein forms G814D, G983D, G832D, G846D, G824D, G850D, G873D.
Identifiers: ClinVar variation 2119137 (VCV002119137.4), dbSNP rs1554713268, ClinGen allele CA372573938.